The following is an entry in ClinVar:

ClinVar aggregate classification (germline): Benign. Review status: criteria provided, single submitter (1 of 4 stars). 2 submissions from 2 submitters: Benign (1). 1 of the submissions does not count toward it. Last evaluated 2026-01-27.

Conditions:
FOCAD-related disorder. Also called: FOCAD-related condition.

Allele frequency attached by ClinVar (database versions not stated): ExAC 0.00061; 1000 Genomes Project 0.00160; TOPMed 0.00197; ESP Exome Variant Server 0.00246; gnomAD 0.00182; 1000 Genomes Project 30x 0.00156.
gnomAD v4.1: 522 of 1,598,460 alleles (0.033%); highest among the groups gnomAD compares: African/African-American, 0.63%; 3 homozygotes.

Submissions (2):

Labcorp Genetics (formerly Invitae), Labcorp
Classification: Benign. Last evaluated: 2026-01-27. Review status: criteria provided, single submitter. Criteria: Invitae Variant Classification Sherloc (09022015). Collection method: clinical testing. Allele origin: germline.

PreventionGenetics, part of Exact Sciences
Classification: Likely benign for FOCAD-related condition. Last evaluated: 2022-04-11. Review status: no assertion criteria provided. Collection method: clinical testing. Allele origin: germline. Not counted in ClinVar's aggregate classification.
Comment: This variant is classified as likely benign based on ACMG/AMP sequence variant interpretation guidelines (Richards et al. 2015 PMID: 25741868, with internal and published modifications).

NM_001375567.1(FOCAD):c.1806T>C (p.His602=)

Gene: FOCAD (focadhesin; plus strand). Cytogenetic location: 9p21.3.
Variant type: single nucleotide variant.
Coding change: c.1806T>C on transcript NM_001375567.1 (MANE Select); coding-DNA position 1806, T replaced by C.
Protein change: p.His602=; no amino-acid change (histidine 602 retained).
Molecular consequence: synonymous variant.
Genome position (GRCh38, 1-based): chr9:20,823,001, T>C. VCF-style: chr9-20823001-T-C. GRCh37 (hg19) VCF-style: chr9-20823000-T-C.
Other names: c.1701T>C, p.His567= (NM_001375568.1, NM_001375570.1); c.1806T>C, p.His602= (NM_017794.5); c.1806T>C (NM_017794.4).
Identifiers: ClinVar variation 2764476 (VCV002764476.5), dbSNP rs112833661, ClinGen allele CA5006873.